The following is an entry in ClinVar:

NM_144687.4(NLRP12):c.1915A>G (p.Ser639Gly)

Gene: NLRP12 (NLR family pyrin domain containing 12; minus strand). Cytogenetic location: 19q13.42.
Variant type: single nucleotide variant.
Coding change: c.1915A>G on transcript NM_144687.4 (MANE Select); coding-DNA position 1915, A replaced by G.
Protein change: p.Ser639Gly; replaces serine 639 with glycine.
Molecular consequence: missense variant.
Genome position (GRCh38, 1-based): chr19:53,809,744, T>C on the plus strand (A>G on the coding strand, the complement: NLRP12 is on the minus strand). VCF-style: chr19-53809744-T-C. GRCh37 (hg19) VCF-style: chr19-54312998-T-C.
Other names: c.1915A>G (NM_144687.2); c.1915A>G, p.Ser639Gly (NM_001277126.2, NM_001277129.1); short protein forms S639G.
Identifiers: ClinVar variation 1941071 (VCV001941071.7), dbSNP rs765951747, ClinGen allele CA9639316.
Genomic context (GRCh38, chr19:53,809,744, plus strand): 5'-TCCTGCAGCGCTTCAGACAGAACGAGGAGACCATGTGCTCCATCTTGGAGGCAATGTTGC[T>C]GACCACGATCACCTGGAAGTGGCTCAGGGCCTGCTGGATAAACTCCTCCTCCTGGATCTC-3'
Protein context (NP_653288.1, residues 629-649): ALSHFQVIVV[Ser639Gly]NIASKMEHMV

ClinVar aggregate classification (germline): Uncertain significance. Review status: criteria provided, multiple submitters, no conflicts (2 of 4 stars). 3 submissions from 3 submitters: Uncertain significance (3). Last evaluated 2024-11-07.

Conditions:
Inborn genetic diseases. Identifiers: MedGen C0950123, MeSH D030342.
Familial cold autoinflammatory syndrome 2 (FCAS2). Identifiers: Orphanet 247868, MedGen C2673198, MONDO:0012724, OMIM 611762.

Allele frequency attached by ClinVar (database versions not stated): TOPMed 0.00001; gnomAD 0.00002.
gnomAD v4.1: 5 of 1,614,004 alleles (0.00031%); highest among the groups gnomAD compares: African/African-American, 0.0027%; no homozygotes.

Submissions (3):

GeneDx
Classification: Uncertain significance. Last evaluated: 2024-11-07. Review status: criteria provided, single submitter. Criteria: GeneDx Variant Classification Process June 2021. Collection method: clinical testing. Allele origin: germline. Affected: yes.
Comment: In silico analysis indicates that this missense variant does not alter protein structure/function; Has not been previously published as pathogenic or benign to our knowledge

Labcorp Genetics (formerly Invitae), Labcorp
Classification: Uncertain significance for Familial cold autoinflammatory syndrome 2. Last evaluated: 2024-10-07. Review status: criteria provided, single submitter. Criteria: Invitae Variant Classification Sherloc (09022015). Collection method: clinical testing. Allele origin: germline.
Comment: This sequence change replaces serine, which is neutral and polar, with glycine, which is neutral and non-polar, at codon 639 of the NLRP12 protein (p.Ser639Gly). This variant is present in population databases (rs765951747, gnomAD 0.008%). This variant has not been reported in the literature in individuals affected with NLRP12-related conditions. ClinVar contains an entry for this variant (Variation ID: 1941071). An algorithm developed to predict the effect of missense changes on protein structure and function outputs the following: PolyPhen-2: "Benign". The glycine amino acid residue is found in multiple mammalian species, which suggests that this missense change does not adversely affect protein function. In summary, the available evidence is currently insufficient to determine the role of this variant in disease. Therefore, it has been classified as a Variant of Uncertain Significance.

Ambry Genetics
Classification: Uncertain significance for Inborn genetic diseases. Last evaluated: 2024-01-23. Review status: criteria provided, single submitter. Criteria: Ambry Variant Classification Scheme 2023. Collection method: clinical testing. Allele origin: germline.